The following is an entry in ClinVar:

NM_001142800.2(EYS):c.5100A>T (p.Lys1700Asn)

Gene: EYS (eyes shut homolog; minus strand). Cytogenetic location: 6q12.
Variant type: single nucleotide variant.
Coding change: c.5100A>T on transcript NM_001142800.2 (MANE Select); coding-DNA position 5100, A replaced by T.
Protein change: p.Lys1700Asn; replaces lysine 1700 with asparagine.
Molecular consequence: missense variant.
Genome position (GRCh38, 1-based): chr6:64,590,767, T>A on the plus strand (A>T on the coding strand, the complement: EYS is on the minus strand). VCF-style: chr6-64590767-T-A. GRCh37 (hg19) VCF-style: chr6-65300660-T-A.
Other names: c.5100A>T, p.Lys1700Asn (NM_001292009.2); short protein forms K1700N.
Identifiers: ClinVar variation 1042967 (VCV001042967.7), dbSNP rs1267480820, ClinGen allele CA364781852.

ClinVar aggregate classification (germline): Uncertain significance. Review status: criteria provided, single submitter (1 of 4 stars). 2 submissions from 2 submitters: Uncertain significance (1). 1 of the submissions does not count toward it. Last evaluated 2022-07-05.

Conditions:
Retinitis pigmentosa 25 (RP25). Identifiers: Orphanet 791, MedGen C1864446, MONDO:0011272, OMIM 602772.

Allele frequency attached by ClinVar (database versions not stated): gnomAD 0.00001; TOPMed 0.00001; gnomAD exomes 0.00003.
gnomAD v4.1: 49 of 1,550,356 alleles (0.0032%); highest among the groups gnomAD compares: Non-Finnish European, 0.0041%; no homozygotes.

Submissions (2):

Labcorp Genetics (formerly Invitae), Labcorp
Classification: Uncertain significance. Last evaluated: 2022-07-05. Review status: criteria provided, single submitter. Criteria: Invitae Variant Classification Sherloc (09022015). Collection method: clinical testing. Allele origin: germline.
Comment: This sequence change replaces lysine, which is basic and polar, with asparagine, which is neutral and polar, at codon 1700 of the EYS protein (p.Lys1700Asn). This variant is present in population databases (no rsID available, gnomAD 0.005%). This variant has not been reported in the literature in individuals affected with EYS-related conditions. ClinVar contains an entry for this variant (Variation ID: 1042967). Algorithms developed to predict the effect of missense changes on protein structure and function are either unavailable or do not agree on the potential impact of this missense change (SIFT: "Tolerated"; PolyPhen-2: "Probably Damaging"; Align-GVGD: "Class C0"). In summary, the available evidence is currently insufficient to determine the role of this variant in disease. Therefore, it has been classified as a Variant of Uncertain Significance.

Natera, Inc.
Classification: Uncertain significance for Retinitis pigmentosa type 25. Last evaluated: 2021-08-02. Review status: no assertion criteria provided. Collection method: clinical testing. Allele origin: germline. Not counted in ClinVar's aggregate classification.